The following is an entry in ClinVar:

NM_000843.4(GRM6):c.643T>C (p.Tyr215His)

Gene: GRM6 (glutamate metabotropic receptor 6; minus strand). Cytogenetic location: 5q35.3.
Variant type: single nucleotide variant.
Coding change: c.643T>C on transcript NM_000843.4 (MANE Select); coding-DNA position 643, T replaced by C.
Protein change: p.Tyr215His; replaces tyrosine 215 with histidine.
Molecular consequence: missense variant.
Genome position (GRCh38, 1-based): chr5:178,991,945, A>G on the plus strand (T>C on the coding strand, the complement: GRM6 is on the minus strand). VCF-style: chr5-178991945-A-G. GRCh37 (hg19) VCF-style: chr5-178418946-A-G.
Other names: short protein forms Y215H.
Identifiers: ClinVar variation 863455 (VCV000863455.15), dbSNP rs144362143, ClinGen allele CA3594470.

ClinVar aggregate classification (germline): Uncertain significance. Review status: criteria provided, multiple submitters, no conflicts (2 of 4 stars). 6 submissions from 6 submitters: Uncertain significance (3). 3 of the submissions do not count toward it. Last evaluated 2025-09-13.

Conditions:
Retinal dystrophy. Also called: Inherited retinal dystrophy. Identifiers: Orphanet 71862, MedGen C0854723, MeSH D058499, MONDO:0019118, HP:0000556.
Inborn genetic diseases. Identifiers: MedGen C0950123, MeSH D030342.

Allele frequency attached by ClinVar (database versions not stated): gnomAD exomes 0.00007 and 0.00008; ExAC 0.00011; ESP Exome Variant Server 0.00015; TOPMed 0.00020; gnomAD 0.00025; 1000 Genomes Project 0.00060; 1000 Genomes Project 30x 0.00062.
gnomAD v4.1: 135 of 1,614,122 alleles (0.0084%); highest among the groups gnomAD compares: Middle Eastern, 0.082%; no homozygotes.

Submissions (6):

Labcorp Genetics (formerly Invitae), Labcorp
Classification: Uncertain significance. Last evaluated: 2025-09-13. Review status: criteria provided, single submitter. Criteria: Invitae Variant Classification Sherloc (09022015). Collection method: clinical testing. Allele origin: germline.
Comment: This sequence change replaces tyrosine, which is neutral and polar, with histidine, which is basic and polar, at codon 215 of the GRM6 protein (p.Tyr215His). This variant is present in population databases (rs144362143, gnomAD 0.08%). This variant has not been reported in the literature in individuals affected with GRM6-related conditions. ClinVar contains an entry for this variant (Variation ID: 863455). Invitae Evidence Modeling of protein sequence and biophysical properties (such as structural, functional, and spatial information, amino acid conservation, physicochemical variation, residue mobility, and thermodynamic stability) has been performed for this missense variant. However, the output from this modeling did not meet the statistical confidence thresholds required to predict the impact of this variant on GRM6 protein function. In summary, the available evidence is currently insufficient to determine the role of this variant in disease. Therefore, it has been classified as a Variant of Uncertain Significance.

Ambry Genetics
Classification: Uncertain significance for Inborn genetic diseases. Last evaluated: 2025-08-21. Review status: criteria provided, single submitter. Criteria: Ambry Variant Classification Scheme 2023. Collection method: clinical testing. Allele origin: germline.

Blueprint Genetics
Classification: Uncertain significance. Last evaluated: 2024-09-23. Review status: criteria provided, single submitter. Criteria: ACMG Guidelines, 2015. Collection method: clinical testing. Allele origin: germline.

Institute of Human Genetics, Univ. Regensburg, Univ. Regensburg
Classification: Uncertain significance for Retinal dystrophy. Last evaluated: 2020-01-01. Review status: no assertion criteria provided. Criteria: ACMG Guidelines, 2015. Collection method: clinical testing. Allele origin: germline. Affected: yes. Not counted in ClinVar's aggregate classification.

Clinical Genetics DNA and cytogenetics Diagnostics Lab, Erasmus MC, Erasmus Medical Center
Classification: Uncertain significance. Review status: no assertion criteria provided. Collection method: clinical testing. Allele origin: germline. Affected: yes. Study: VKGL Data-share Consensus. Not counted in ClinVar's aggregate classification.

Clinical Genetics, Academic Medical Center
Classification: Uncertain significance. Review status: no assertion criteria provided. Collection method: clinical testing. Allele origin: germline. Affected: yes. Study: VKGL Data-share Consensus. Not counted in ClinVar's aggregate classification.